The following is an entry in ClinVar:

ClinVar aggregate classification (germline): Likely pathogenic (1 of 4 stars; one submission).

Conditions:
Nemaline myopathy 2 (NEM2). Also called: Nemaline myopathy 2, autosomal recessive. Identifiers: MedGen C1850569, MONDO:0009725, OMIM 256030.

Submission:

Myriad Genetics, Inc.
Classification: Likely pathogenic for Nemaline myopathy 2. Last evaluated: 2022-02-25. Review status: criteria provided, single submitter. Criteria: Myriad Women's Health Autosomal Recessive and X-Linked Classification Criteria (2021). Collection method: clinical testing. Allele origin: unknown.
Comment: NM_001271208.1(NEB):c.22399_22400ins8(K7467Tfs*45) is expected to be pathogenic in the context of NEB-related nemaline myopathy. This variant is predicted to lead to an abnormal or absent protein product due to the creation of a premature termination codon in NEB, a gene where loss-of-function variants are known to be pathogenic. Please note: this variant was assessed in the context of healthy population screening.

NM_001164508.2(NEB):c.22294_22295insCAGATTTA (p.Lys7432fs)

Genes: RIF1 (replication timing regulatory factor 1; plus strand), NEB (nebulin; minus strand). Cytogenetic location: 2q23.3.
Variant type: Insertion.
Coding change: c.22294_22295insCAGATTTA on transcript NM_001164508.2 (MANE Select); coding-DNA positions 22294 to 22295, CAGATTTA inserted.
Protein change: p.Lys7432fs; shifts the reading frame from lysine 7432.
Molecular consequence: frameshift variant.
Genome position: GRCh38 VCF-style: chr2-151524594-T-TTAAATCTG. GRCh37 (hg19) VCF-style: chr2-152381108-T-TTAAATCTG.
Other names: c.22294_22295insCAGATTTA, p.Lys7432fs (NM_001164507.2); c.22399_22400insCAGATTTA, p.Lys7467fs (NM_001271208.2); c.17191_17192insCAGATTTA, p.Lys5731fs (NM_004543.5); short protein forms K5731fs, K7432fs, K7467fs.
Identifiers: ClinVar variation 1724779 (VCV001724779.2), dbSNP rs2552108781, ClinGen allele CA2580063989.
Genomic context (GRCh38, chr2:151,524,594, plus strand): 5'-GCCTGTGTGGCCTTCTTGATGTCTGGTCGATCAGCCACTGTGGTGTAATGCAGGTTCTCT[T>TTAAATCTG]TGGCATCTTTTCTGTAAGCGACCTTTATTGGGGAAGAAAATGTTTACTCAAGAGAGAGGC-3'